The following is an entry in ClinVar:

NM_130384.3(ATRIP):c.1866G>C (p.Gln622His)

Genes: ATRIP (ATR interacting protein; plus strand), ATRIP-TREX1 (ATRIP-TREX1 readthrough; plus strand). Cytogenetic location: 3p21.31.
Variant type: single nucleotide variant.
Coding change: c.1866G>C on transcript NM_130384.3 (MANE Select); coding-DNA position 1866, G replaced by C.
Protein change: p.Gln622His; replaces glutamine 622 with histidine.
Molecular consequence: missense variant. On other transcripts: non-coding transcript variant (1).
Genome position (GRCh38, 1-based): chr3:48,463,865, G>C. VCF-style: chr3-48463865-G-C. GRCh37 (hg19) VCF-style: chr3-48505264-G-C.
Other names: c.1485G>C, p.Gln495His (NM_001271022.2); c.1587G>C, p.Gln529His (NM_001271023.2); c.1866G>C, p.Gln622His (NM_032166.4); short protein forms Q622H, Q495H, Q529H.
Identifiers: ClinVar variation 4182466 (VCV004182466.1).

ClinVar aggregate classification (germline): Uncertain significance (1 of 4 stars; one submission).

gnomAD v4.1: 1 of 1,614,126 alleles (0.000062%); highest among the groups gnomAD compares: South Asian, 0.0011%; no homozygotes.

Submission:

Ambry Genetics
Classification: Uncertain significance. Last evaluated: 2025-08-12. Review status: criteria provided, single submitter. Criteria: Ambry Variant Classification Scheme 2023. Collection method: clinical testing. Allele origin: germline.
Comment: The p.Q622H variant (also known as c.1866G>C), located in coding exon 9 of the ATRIP gene, results from a G to C substitution at nucleotide position 1866. The glutamine at codon 622 is replaced by histidine, an amino acid with highly similar properties. This amino acid position is conserved. In addition, this alteration is predicted to be tolerated by in silico analysis. Based on the available evidence, the clinical significance of this variant remains unclear.